The following is an entry in ClinVar:

ClinVar aggregate classification (germline): Likely benign. Review status: criteria provided, multiple submitters, no conflicts (2 of 4 stars). 5 submissions from 5 submitters: Likely benign (3). 2 of the submissions do not count toward it. Last evaluated 2026-08-11.

Conditions:
EXOSC2-related disorder. Also called: EXOSC2-related condition.

Allele frequency attached by ClinVar (database versions not stated): ExAC 0.00040; TOPMed 0.00040; gnomAD exomes 0.00041 and 0.00057; ESP Exome Variant Server 0.00085.
gnomAD v4.1: 871 of 1,613,528 alleles (0.054%); highest among the groups gnomAD compares: Non-Finnish European, 0.07%; no homozygotes.

Submissions (5):

PreventionGenetics, part of Exact Sciences
Classification: Likely benign for EXOSC2-related condition. Last evaluated: 2026-08-11. Review status: criteria provided, single submitter. Criteria: ACMG Guidelines, 2015. Collection method: clinical testing. Allele origin: germline.
Comment: This variant is classified as likely benign based on ACMG/AMP sequence variant interpretation guidelines (Richards et al. 2015 PMID: 25741868, with internal and published modifications).

Labcorp Genetics (formerly Invitae), Labcorp
Classification: Likely benign. Last evaluated: 2025-12-16. Review status: criteria provided, single submitter. Criteria: Invitae Variant Classification Sherloc (09022015). Collection method: clinical testing. Allele origin: germline.

Blueprint Genetics
Classification: Likely benign. Last evaluated: 2024-09-16. Review status: criteria provided, single submitter. Criteria: ACMG Guidelines, 2015. Collection method: clinical testing. Allele origin: germline.

Clinical Genetics DNA and cytogenetics Diagnostics Lab, Erasmus MC, Erasmus Medical Center
Classification: Likely benign. Review status: no assertion criteria provided. Collection method: clinical testing. Allele origin: germline. Affected: yes. Study: VKGL Data-share Consensus. Not counted in ClinVar's aggregate classification.

Clinical Genetics, Academic Medical Center
Classification: Likely benign. Review status: no assertion criteria provided. Collection method: clinical testing. Allele origin: germline. Affected: yes. Study: VKGL Data-share Consensus. Not counted in ClinVar's aggregate classification.

NM_014285.7(EXOSC2):c.426+9C>T

Gene: EXOSC2 (exosome component 2; plus strand). Cytogenetic location: 9q34.12.
Variant type: single nucleotide variant.
Coding change: c.426+9C>T on transcript NM_014285.7 (MANE Select); 9 bases into the intron after coding-DNA position 426, C replaced by T.
Molecular consequence: intron variant.
Genome position (GRCh38, 1-based): chr9:130,699,403, C>T. VCF-style: chr9-130699403-C-T. GRCh37 (hg19) VCF-style: chr9-133574790-C-T.
Other names: c.426+9C>T (NM_014285.6, NM_001282708.1); c.336+9C>T (NM_001282709.1).
Identifiers: ClinVar variation 1155615 (VCV001155615.14), dbSNP rs369854065, ClinGen allele CA5284850.